The following is an entry in ClinVar:

NM_000264.5(PTCH1):c.508C>G (p.Leu170Val)

Gene: PTCH1 (patched 1; minus strand). Cytogenetic location: 9q22.32.
Variant type: single nucleotide variant.
Coding change: c.508C>G on transcript NM_000264.5 (MANE Select); coding-DNA position 508, C replaced by G.
Protein change: p.Leu170Val; replaces leucine 170 with valine.
Molecular consequence: missense variant. On other transcripts: non-coding transcript variant (1).
Genome position (GRCh38, 1-based): chr9:95,485,761, G>C on the plus strand (C>G on the coding strand, the complement: PTCH1 is on the minus strand). VCF-style: chr9-95485761-G-C. GRCh37 (hg19) VCF-style: chr9-98248043-G-C.
Other names: c.310C>G, p.Leu104Val (NM_001083602.3, NM_001354919.2); c.505C>G, p.Leu169Val (NM_001083603.3); c.55C>G, p.Leu19Val (NM_001083604.3, NM_001083605.3, NM_001083606.3 and 1 more transcripts); c.508C>G, p.Leu170Val (NM_001354918.2); short protein forms L19V, L104V, L169V, L170V.
Identifiers: ClinVar variation 833676 (VCV000833676.15), dbSNP rs1841917213, ClinGen allele CA374116869.
Genomic context (GRCh38, chr9:95,485,761, plus strand): 5'-CATGGACACGGCTGGCCTGGAGTGCCGAGTCCAGGTGTTGTAGGAGCGCTTCTGTGGTCA[G>C]GACATTAGCACCTTCTTCTTTAGGGGTCTGTATCATGAGTTGAGGATTAAACATAGCCTC-3'
Protein context (NP_000255.2, residues 160-180): QTPKEEGANV[Leu170Val]TTEALLQHLD

ClinVar aggregate classification (germline): Conflicting classifications of pathogenicity. Review status: criteria provided, conflicting classifications (1 of 4 stars). 3 submissions from 3 submitters: Uncertain significance (2); Benign (1). Last evaluated 2025-10-07.

Conditions:
Gorlin syndrome. Also called: Basal cell nevus syndrome; Nevoid Basal Cell Carcinoma Syndrome. Identifiers: Orphanet 377, MedGen C0004779, MONDO:0007187.
Hereditary cancer-predisposing syndrome. Also called: Neoplastic Syndromes, Hereditary; Hereditary neoplastic syndrome; Tumor predisposition; Hereditary Cancer Syndrome. Identifiers: Orphanet 140162, MedGen C0027672, MeSH D009386, MONDO:0015356.

Allele frequency attached by ClinVar (database versions not stated): gnomAD exomes below 0.00001.
gnomAD v4.1: 1 of 1,614,204 alleles (0.000062%); highest among the groups gnomAD compares: Non-Finnish European, 0.000085%; no homozygotes.

Submissions (3):

GeneDx
Classification: Uncertain significance. Last evaluated: 2025-10-07. Review status: criteria provided, single submitter. Criteria: GeneDx Variant Classification Process June 2021. Collection method: clinical testing. Allele origin: germline. Affected: yes.
Comment: Not observed at significant frequency in large population cohorts (gnomAD); In silico analysis supports that this missense variant has a deleterious effect on protein structure/function; Has not been previously published as pathogenic or benign to our knowledge

Labcorp Genetics (formerly Invitae), Labcorp
Classification: Benign for Gorlin syndrome. Last evaluated: 2025-09-20. Review status: criteria provided, single submitter. Criteria: Invitae Variant Classification Sherloc (09022015). Collection method: clinical testing. Allele origin: germline.

Ambry Genetics
Classification: Uncertain significance for Hereditary cancer-predisposing syndrome. Last evaluated: 2025-03-05. Review status: criteria provided, single submitter. Criteria: Ambry Variant Classification Scheme 2023. Collection method: clinical testing. Allele origin: germline.
Comment: The p.L170V variant (also known as c.508C>G), located in coding exon 3 of the PTCH1 gene, results from a C to G substitution at nucleotide position 508. The leucine at codon 170 is replaced by valine, an amino acid with highly similar properties. This amino acid position is highly conserved in available vertebrate species. In addition, this alteration is predicted to be deleterious by in silico analysis. Since supporting evidence is limited at this time, the clinical significance of this alteration remains unclear.